The following is an entry in ClinVar:

NM_004963.4(GUCY2C):c.330A>G (p.Ser110=)

Genes: GUCY2C (guanylate cyclase 2C; minus strand), GUCY2C-AS1 (GUCY2C antisense RNA 1; plus strand). Cytogenetic location: 12p12.3.
Variant type: single nucleotide variant.
Coding change: c.330A>G on transcript NM_004963.4 (MANE Select); coding-DNA position 330, A replaced by G.
Protein change: p.Ser110=; no amino-acid change (serine 110 retained).
Molecular consequence: synonymous variant.
Genome position (GRCh38, 1-based): chr12:14,687,951, T>C on the plus strand (A>G on the coding strand, the complement: GUCY2C is on the minus strand). VCF-style: chr12-14687951-T-C. GRCh37 (hg19) VCF-style: chr12-14840885-T-C.
Identifiers: ClinVar variation 3696192 (VCV003696192.2).

ClinVar aggregate classification (germline): Uncertain significance (1 of 4 stars; one submission).

gnomAD v4.1: 2 of 1,578,260 alleles (0.00013%); highest among the groups gnomAD compares: East Asian, 0.0022%; no homozygotes.

Submission:

Labcorp Genetics (formerly Invitae), Labcorp
Classification: Uncertain significance. Last evaluated: 2024-11-21. Review status: criteria provided, single submitter. Criteria: Invitae Variant Classification Sherloc (09022015). Collection method: clinical testing. Allele origin: germline.
Comment: This sequence change affects codon 110 of the GUCY2C mRNA. It is a 'silent' change, meaning that it does not change the encoded amino acid sequence of the GUCY2C protein. It affects a nucleotide within the consensus splice site. This variant is not present in population databases (gnomAD no frequency). This variant has not been reported in the literature in individuals affected with GUCY2C-related conditions. Algorithms developed to predict the effect of sequence changes on RNA splicing suggest that this variant is not likely to affect RNA splicing. In summary, the available evidence is currently insufficient to determine the role of this variant in disease. Therefore, it has been classified as a Variant of Uncertain Significance.